The following is an entry in ClinVar:

NM_020297.4(ABCC9):c.2005G>C (p.Asp669His)

Gene: ABCC9 (ATP binding cassette subfamily C member 9; minus strand). Cytogenetic location: 12p12.1.
Variant type: single nucleotide variant.
Coding change: c.2005G>C on transcript NM_020297.4 (MANE Select); coding-DNA position 2005, G replaced by C.
Protein change: p.Asp669His; replaces aspartic acid 669 with histidine.
Molecular consequence: missense variant.
Genome position (GRCh38, 1-based): chr12:21,882,780, C>G on the plus strand (G>C on the coding strand, the complement: ABCC9 is on the minus strand). VCF-style: chr12-21882780-C-G. GRCh37 (hg19) VCF-style: chr12-22035714-C-G.
Other names: c.2005G>C, p.Asp669His (NM_001377273.1, NM_005691.4); c.1141G>C, p.Asp381His (NM_001377274.1); short protein forms D381H, D669H.
Identifiers: ClinVar variation 2901857 (VCV002901857.3), dbSNP rs762304330, ClinGen allele CA6481529.

ClinVar aggregate classification (germline): Uncertain significance (1 of 4 stars; one submission).

Conditions:
Dilated cardiomyopathy 1O (CMD1O). Also called: CARDIOMYOPATHY, DILATED, WITH VENTRICULAR TACHYCARDIA. Identifiers: Orphanet 154, MedGen C1837839, MONDO:0012062, OMIM 608569.

Allele frequency attached by ClinVar (database versions not stated): gnomAD 0.00001.
gnomAD v4.1: 10 of 1,611,142 alleles (0.00062%); highest among the groups gnomAD compares: South Asian, 0.0099%; no homozygotes.

Submission:

Labcorp Genetics (formerly Invitae), Labcorp
Classification: Uncertain significance for Dilated cardiomyopathy 1O. Last evaluated: 2025-05-13. Review status: criteria provided, single submitter. Criteria: Invitae Variant Classification Sherloc (09022015). Collection method: clinical testing. Allele origin: germline.
Comment: This sequence change replaces aspartic acid, which is acidic and polar, with histidine, which is basic and polar, at codon 669 of the ABCC9 protein (p.Asp669His). This variant is present in population databases (rs762304330, gnomAD 0.01%). This variant has not been reported in the literature in individuals affected with ABCC9-related conditions. ClinVar contains an entry for this variant (Variation ID: 2901857). Invitae Evidence Modeling of protein sequence and biophysical properties (such as structural, functional, and spatial information, amino acid conservation, physicochemical variation, residue mobility, and thermodynamic stability) indicates that this missense variant is expected to disrupt ABCC9 protein function with a positive predictive value of 80%. In summary, the available evidence is currently insufficient to determine the role of this variant in disease. Therefore, it has been classified as a Variant of Uncertain Significance.